The following is an entry in ClinVar:

NM_003172.4(SURF1):c.693C>G (p.Asp231Glu)

Gene: SURF1 (SURF1 cytochrome c oxidase assembly factor; minus strand). Cytogenetic location: 9q34.2.
Variant type: single nucleotide variant.
Coding change: c.693C>G on transcript NM_003172.4 (MANE Select); coding-DNA position 693, C replaced by G.
Protein change: p.Asp231Glu; replaces aspartic acid 231 with glutamic acid.
Molecular consequence: missense variant.
Genome position (GRCh38, 1-based): chr9:133,352,504, G>C on the plus strand (C>G on the coding strand, the complement: SURF1 is on the minus strand). VCF-style: chr9-133352504-G-C. GRCh37 (hg19) VCF-style: chr9-136219359-G-C.
Other names: c.366C>G, p.Asp122Glu (NM_001280787.1); short protein forms D122E, D231E.
Identifiers: ClinVar variation 2417786 (VCV002417786.3), dbSNP rs782373988, ClinGen allele CA200832368.
Genomic context (GRCh38, chr9:133,352,504, plus strand): 5'-ACGGAAGTTGGCATCAATGAAGATGGGCTCTGCGCCTGTGATTCTGGCCATAGCTTCCAG[G>C]TCTCGATAATGCCAGTGGTTCCTTTCTGGATTGTTCTCAGGGACAAAAGGCTGCCTGGTT-3'
Protein context (NP_003163.1, residues 221-241): NPERNHWHYR[Asp231Glu]LEAMARITGA

ClinVar aggregate classification (germline): Uncertain significance (1 of 4 stars; one submission).

Conditions:
Leigh syndrome (NULS). Also called: Leigh's syndrome; Subacute necrotizing encephalopathy; Necrotizing encephalopathy infantile subacute of Leigh; LEIGH SYNDROME, NUCLEAR; Leigh's necrotizing encephalopathy; Leigh's disease. Identifiers: Orphanet 506, MedGen C2931891, MONDO:0009723, OMIM 256000.

gnomAD v4.1: 9 of 1,614,224 alleles (0.00056%); highest among the groups gnomAD compares: South Asian, 0.0077%; no homozygotes.

Submission:

Labcorp Genetics (formerly Invitae), Labcorp
Classification: Uncertain significance for Leigh syndrome. Last evaluated: 2022-06-23. Review status: criteria provided, single submitter. Criteria: Invitae Variant Classification Sherloc (09022015). Collection method: clinical testing. Allele origin: germline.
Comment: This sequence change replaces aspartic acid, which is acidic and polar, with glutamic acid, which is acidic and polar, at codon 231 of the SURF1 protein (p.Asp231Glu). This variant is present in population databases (rs782373988, gnomAD 0.01%). This variant has not been reported in the literature in individuals affected with SURF1-related conditions. Algorithms developed to predict the effect of missense changes on protein structure and function are either unavailable or do not agree on the potential impact of this missense change (SIFT: "Deleterious"; PolyPhen-2: "Possibly Damaging"; Align-GVGD: "Class C0"). In summary, the available evidence is currently insufficient to determine the role of this variant in disease. Therefore, it has been classified as a Variant of Uncertain Significance.